The following is an entry in ClinVar:

ClinVar aggregate classification (germline): Uncertain significance (1 of 4 stars; one submission).

Conditions:
Leigh syndrome (NULS). Also called: Leigh's necrotizing encephalopathy; Leigh's disease; Leigh's syndrome; LEIGH SYNDROME, NUCLEAR; Leigh Syndrome (mtDNA deletion); Leigh Disease. Identifiers: Orphanet 506, MedGen C2931891, MONDO:0009723, OMIM 256000.

Submission:

Wong Mito Lab, Molecular and Human Genetics, Baylor College of Medicine
Classification: Uncertain significance for Leigh syndrome. Last evaluated: 2019-10-17. Review status: criteria provided, single submitter. Criteria: Modified ACMG Guidelines (Unpublished). Collection method: clinical testing. Allele origin: germline.
Comment: The NC_012920.1:m.15428G>A (YP_003024038.1:p.Asp228Asn) variant in MTCYB gene is interpretated to be a Uncertain Significance variant based on the modified ACMG guidelines (unpublished). This variant meets the following evidence codes: PP7

NC_012920.1(MT-CYB):m.15428G>A

Gene: MT-CYB (mitochondrially encoded cytochrome b; plus strand).
Variant type: single nucleotide variant.
Genome position: chrM-15428-G-A.
Identifiers: ClinVar variation 693882 (VCV000693882.1), dbSNP rs1603225270, ClinGen allele CA913173844.